The following is an entry in ClinVar:

NM_152383.5(DIS3L2):c.1326dup (p.Met443fs)

Gene: DIS3L2 (DIS3 like 3'-5' exoribonuclease 2; plus strand). Cytogenetic location: 2q37.1.
Variant type: Duplication.
Coding change: c.1326dup on transcript NM_152383.5 (MANE Select); coding-DNA position 1326, one base duplicated (C; older notation c.1326dupC).
Protein change: p.Met443fs; shifts the reading frame from methionine 443.
Molecular consequence: frameshift variant. On other transcripts: non-coding transcript variant (2).
Genome position (GRCh38, 1-based): chr2:232,249,247, C duplicated; the last of 4 consecutive C bases (chr2:232,249,244-232,249,247); duplicating any one gives the same sequence. VCF-style (leftmost placement, unchanged base first): chr2-232249243-T-TC. GRCh37 (hg19) VCF-style: chr2-233113953-T-TC.
Other names: c.1326dup, p.Met443fs (NM_001257281.2); short protein forms M443fs.
Identifiers: ClinVar variation 2757094 (VCV002757094.3), dbSNP rs2470049272, ClinGen allele CA2697550569.

ClinVar aggregate classification (germline): Pathogenic (1 of 4 stars; one submission).

Conditions:
Perlman syndrome (PRLMNS). Identifiers: Orphanet 2849, MedGen C0796113, MONDO:0009965, OMIM 267000.

Submission:

Labcorp Genetics (formerly Invitae), Labcorp
Classification: Pathogenic for Perlman syndrome. Last evaluated: 2023-06-02. Review status: criteria provided, single submitter. Criteria: Invitae Variant Classification Sherloc (09022015). Collection method: clinical testing. Allele origin: germline.
Comment: For these reasons, this variant has been classified as Pathogenic. This variant has not been reported in the literature in individuals affected with DIS3L2-related conditions. This variant is not present in population databases (gnomAD no frequency). This sequence change creates a premature translational stop signal (p.Met443Hisfs*8) in the DIS3L2 gene. It is expected to result in an absent or disrupted protein product. Loss-of-function variants in DIS3L2 are known to be pathogenic (PMID: 22306653, 28328139).

Literature cited by the submitters: PubMed 22306653; PubMed 28328139.